The following is an entry in ClinVar:

NM_000395.3(CSF2RB):c.698T>C (p.Val233Ala)

Gene: CSF2RB (colony stimulating factor 2 receptor subunit beta; plus strand). Cytogenetic location: 22q12.3.
Variant type: single nucleotide variant.
Coding change: c.698T>C on transcript NM_000395.3 (MANE Select); coding-DNA position 698, T replaced by C.
Protein change: p.Val233Ala; replaces valine 233 with alanine.
Molecular consequence: missense variant.
Genome position (GRCh38, 1-based): chr22:36,929,787, T>C. VCF-style: chr22-36929787-T-C. GRCh37 (hg19) VCF-style: chr22-37325829-T-C.
Other names: c.698T>C, p.Val233Ala (NM_001410827.1); short protein forms V233A.
Identifiers: ClinVar variation 3008270 (VCV003008270.3), dbSNP rs746415173, ClinGen allele CA10213545.
Genomic context (GRCh38, chr22:36,929,787, plus strand): 5'-GGACCCGCCTGGCCCCAGGTTCTCGGCTCTCAGGACGTCCCAGCAAGTGGAGCCCAGAGG[T>C]TTGCTGGGACTCCCAGCCAGGTAATGTTGCCAGAGCCCAGGAAATGCCCCGTGGTGGGAG-3'
Protein context (NP_000386.1, residues 223-243): SGRPSKWSPE[Val233Ala]CWDSQPGDEA

ClinVar aggregate classification (germline): Uncertain significance (1 of 4 stars; one submission).

Allele frequency attached by ClinVar (database versions not stated): TOPMed below 0.00001; ExAC 0.00001; gnomAD 0.00002; gnomAD exomes 0.00002.
gnomAD v4.1: 40 of 1,613,680 alleles (0.0025%); highest among the groups gnomAD compares: Non-Finnish European, 0.0027%; no homozygotes.

Submission:

Labcorp Genetics (formerly Invitae), Labcorp
Classification: Uncertain significance. Last evaluated: 2023-10-13. Review status: criteria provided, single submitter. Criteria: Invitae Variant Classification Sherloc (09022015). Collection method: clinical testing. Allele origin: germline.
Comment: This sequence change replaces valine, which is neutral and non-polar, with alanine, which is neutral and non-polar, at codon 233 of the CSF2RB protein (p.Val233Ala). This variant is present in population databases (rs746415173, gnomAD 0.002%). This variant has not been reported in the literature in individuals affected with CSF2RB-related conditions. Advanced modeling of protein sequence and biophysical properties (such as structural, functional, and spatial information, amino acid conservation, physicochemical variation, residue mobility, and thermodynamic stability) performed at Invitae indicates that this missense variant is expected to disrupt CSF2RB protein function. In summary, the available evidence is currently insufficient to determine the role of this variant in disease. Therefore, it has been classified as a Variant of Uncertain Significance.